The following is an entry in ClinVar:

NM_000059.3:c.7435+350_8331+3158dup

Gene: BRCA2 (BRCA2 DNA repair associated; plus strand).
Variant type: Duplication.
Identifiers: ClinVar variation 1758899 (VCV001758899.2).

ClinVar aggregate classification (germline): Pathogenic (1 of 4 stars; one submission).

Conditions:
Hereditary cancer-predisposing syndrome. Also called: Neoplastic Syndromes, Hereditary; Tumor predisposition; Hereditary Cancer Syndrome; Hereditary neoplastic syndrome. Identifiers: Orphanet 140162, MedGen C0027672, MeSH D009386, MONDO:0015356.

Submission:

Ambry Genetics
Classification: Pathogenic for Hereditary cancer-predisposing syndrome. Last evaluated: 2017-01-25. Review status: criteria provided, single submitter. Criteria: Ambry Variant Classification Scheme 2023. Collection method: clinical testing. Allele origin: germline.
Comment: The EX14_17dup (also known as c.7435+350_8331+3158dup) gross duplication spans coding exons 14 through 17 in the BRCA2 gene. Additional analysis to determine breakpoints identified that this duplication is located in tandem and is predicted to result in premature protein truncation, causing a translational frameshift with a predicted alternate stop codon (Ambry internal data). As such, this alteration is expected to result in loss of function and is interpreted as a disease-causing mutation.